The following is an entry in ClinVar:

NM_001111125.3(IQSEC2):c.44G>A (p.Ser15Asn)

Gene: IQSEC2 (IQ motif and Sec7 domain ArfGEF 2; minus strand). Cytogenetic location: Xp11.22.
Variant type: single nucleotide variant.
Coding change: c.44G>A on transcript NM_001111125.3 (MANE Select); coding-DNA position 44, G replaced by A.
Protein change: p.Ser15Asn; replaces serine 15 with asparagine.
Molecular consequence: missense variant.
Genome position (GRCh38, 1-based): chrX:53,321,080, C>T on the plus strand (G>A on the coding strand, the complement: IQSEC2 is on the minus strand). VCF-style: chrX-53321080-C-T. GRCh37 (hg19) VCF-style: chrX-53350278-C-T.
Other names: c.44G>A, p.Ser15Asn (NM_001410736.1); short protein forms S15N.
Identifiers: ClinVar variation 2835720 (VCV002835720.3), dbSNP rs2075427917, ClinGen allele CA413240243.

ClinVar aggregate classification (germline): Uncertain significance (1 of 4 stars; one submission).

Conditions:
Intellectual developmental disorder, X-linked 1. Also called: Atkin Flaitz Patil Smith syndrome; Intellectual disability, X-linked 1; MENTAL RETARDATION, X-LINKED 18; MENTAL RETARDATION, X-LINKED 78. Identifiers: Orphanet 777, MedGen C2931498, MONDO:0010656, OMIM 309530.

Submission:

Labcorp Genetics (formerly Invitae), Labcorp
Classification: Uncertain significance for Intellectual developmental disorder, X-linked 1. Last evaluated: 2023-02-16. Review status: criteria provided, single submitter. Criteria: Invitae Variant Classification Sherloc (09022015). Collection method: clinical testing. Allele origin: germline.
Comment: In summary, the available evidence is currently insufficient to determine the role of this variant in disease. Therefore, it has been classified as a Variant of Uncertain Significance. Advanced modeling of protein sequence and biophysical properties (such as structural, functional, and spatial information, amino acid conservation, physicochemical variation, residue mobility, and thermodynamic stability) performed at Invitae indicates that this missense variant is not expected to disrupt IQSEC2 protein function. This variant has not been reported in the literature in individuals affected with IQSEC2-related conditions. This variant is not present in population databases (gnomAD no frequency). This sequence change replaces serine, which is neutral and polar, with asparagine, which is neutral and polar, at codon 15 of the IQSEC2 protein (p.Ser15Asn).